The following is an entry in ClinVar:

ClinVar aggregate classification (germline): Likely benign (1 of 4 stars; one submission).

gnomAD v4.1: 2 of 1,256,886 alleles (0.00016%); no homozygotes.

Submission:

CeGaT Center for Human Genetics Tuebingen
Classification: Likely benign. Last evaluated: 2025-06-01. Review status: criteria provided, single submitter. Criteria: CeGaT Center For Human Genetics Tuebingen Variant Classification Criteria Version 2. Collection method: clinical testing. Allele origin: germline. Affected: yes. Observed: 1 variant allele.
Comment: JAG1: BP4, BP7

NM_000214.3(JAG1):c.13C>A (p.Arg5=)

Gene: JAG1 (jagged canonical Notch ligand 1; minus strand). Cytogenetic location: 20p12.2.
Variant type: single nucleotide variant.
Coding change: c.13C>A on transcript NM_000214.3 (MANE Select); coding-DNA position 13, C replaced by A.
Protein change: p.Arg5=; no amino-acid change (arginine 5 retained).
Molecular consequence: synonymous variant.
Genome position (GRCh38, 1-based): chr20:10,673,518, G>T on the plus strand (C>A on the coding strand, the complement: JAG1 is on the minus strand). VCF-style: chr20-10673518-G-T. GRCh37 (hg19) VCF-style: chr20-10654166-G-T.
Identifiers: ClinVar variation 4085001 (VCV004085001.8).